The following is an entry in ClinVar:

ClinVar aggregate classification (germline): Conflicting classifications of pathogenicity. Review status: criteria provided, conflicting classifications (1 of 4 stars). 2 submissions from 2 submitters: Likely pathogenic (1); Likely benign (1). Last evaluated 2020-03-02.

Conditions:
Premature ovarian insufficiency (POF). Also called: Premature ovarian failure. Identifiers: MedGen C4303540, HP:0008209.
Aromatase deficiency. Also called: Increased aromatase activity; PSEUDOHERMAPHRODITISM, FEMALE, DUE TO PLACENTAL AROMATASE DEFICIENCY. Identifiers: Orphanet 91, MedGen C1960539, MONDO:0013301, OMIM 613546.

Allele frequency attached by ClinVar (database versions not stated): gnomAD 0.00003 and 0.00005; gnomAD exomes 0.00005; TOPMed 0.00005; ExAC 0.00006; ESP Exome Variant Server 0.00015.
gnomAD v4.1: 203 of 1,513,096 alleles (0.013%); highest among the groups gnomAD compares: Non-Finnish European, 0.018%; no homozygotes.

Submissions (2):

Medical Cytogenetics and Molecular Genetics Laboratory, IRCCS Istituto Auxologico Italiano
Classification: Likely pathogenic for Premature ovarian failure. Last evaluated: 2020-03-02. Review status: criteria provided, single submitter. Criteria: ACMG Guidelines, 2015. Collection method: research. Allele origin: germline. Affected: yes. Observed: 1 variant allele.

Illumina Laboratory Services, Illumina
Classification: Likely benign for Aromatase deficiency. Last evaluated: 2017-04-27. Review status: criteria provided, single submitter. Criteria: ICSL Variant Classification Criteria 13 December 2019. Collection method: clinical testing. Allele origin: germline.
Comment: This variant was observed as part of a predisposition screen in an ostensibly healthy population. A literature search was performed for the gene, cDNA change, and amino acid change (where applicable). Publications were found based on this search. The evidence from the literature, in combination with allele frequency data from public databases where available, was sufficient to determine this variant is unlikely to cause disease. Therefore, this variant is classified as likely benign.

Literature cited by the submitters: PubMed 20048079 (cited by Illumina Laboratory Services, Illumina).

NM_000103.4(CYP19A1):c.383A>G (p.His128Arg)

Genes: CYP19A1 (cytochrome P450 family 19 subfamily A member 1; minus strand), MIR4713HG (MIR4713 host gene; plus strand), PIRC66 (piwi-interacting RNA cluster 66; plus strand). Cytogenetic location: 15q21.2.
Variant type: single nucleotide variant.
Coding change: c.383A>G on transcript NM_000103.4 (MANE Select); coding-DNA position 383, A replaced by G.
Protein change: p.His128Arg; replaces histidine 128 with arginine.
Molecular consequence: missense variant.
Genome position (GRCh38, 1-based): chr15:51,227,847, T>C on the plus strand (A>G on the coding strand, the complement: CYP19A1 is on the minus strand). VCF-style: chr15-51227847-T-C. GRCh37 (hg19) VCF-style: chr15-51520044-T-C.
Other names: c.383A>G, p.His128Arg (NM_031226.3, NM_001347248.1, NM_001347249.2 and 7 more transcripts); short protein forms H128R.
Identifiers: ClinVar variation 887524 (VCV000887524.7), dbSNP rs375975652, ClinGen allele CA7560086.